The following continues an entry in ClinVar:

NM_213599.3(ANO5):c.1733T>C (p.Phe578Ser)

Gene: ANO5. ClinVar aggregate classification (germline): Pathogenic. Pathogenic (1).

Submissions 11 to 17 of 17:

MGZ Medical Genetics Center
Classification: Likely pathogenic for Autosomal recessive limb-girdle muscular dystrophy type 2L. Last evaluated: 2022-08-05. Review status: criteria provided, single submitter. Criteria: ACMG Guidelines, 2015. Collection method: clinical testing. Allele origin: germline. Affected: yes. Observed: 1 variant allele. Not counted in ClinVar's aggregate classification.
Comment: ACMG criteria applied: PS4_MOD, PM3, PM2_SUP, PP3

Kariminejad - Najmabadi Pathology & Genetics Center
Classification: Likely pathogenic for Abnormality of the musculature. Last evaluated: 2021-07-10. Review status: criteria provided, single submitter. Criteria: ACMG Guidelines, 2015. Collection method: clinical testing. Allele origin: germline. Affected: yes. Not counted in ClinVar's aggregate classification.

Athena Diagnostics
Classification: Pathogenic. Last evaluated: 2019-08-15. Review status: criteria provided, single submitter. Criteria: Athena Diagnostics Criteria. Collection method: clinical testing. Allele origin: germline. Not counted in ClinVar's aggregate classification.
Comment: The best available variant frequency is uninformative because it is below the disease allele frequency. Found in at least one symptomatic patient. Predicted to have a damaging effect on the protein. Statistically enriched in patients compared to ethnically matched controls. Occurs in three or more cases with a recessive pathogenic variant in the same gene.

Eurofins Ntd Llc (ga)
Classification: Pathogenic. Last evaluated: 2017-01-03. Review status: criteria provided, single submitter. Criteria: EGL Classification Definitions 2015. Collection method: clinical testing. Allele origin: germline. Observed: 7 variant alleles, 7 heterozygotes. Not counted in ClinVar's aggregate classification.

ANO5 @LOVD
No classification provided. Review status: no classification provided. Collection method: not provided. Allele origin: unknown. Not counted in ClinVar's aggregate classification.

Clinical Genetics DNA and cytogenetics Diagnostics Lab, Erasmus MC, Erasmus Medical Center
Classification: Uncertain significance. Review status: no assertion criteria provided. Collection method: clinical testing. Allele origin: germline. Affected: yes. Study: VKGL Data-share Consensus. Not counted in ClinVar's aggregate classification.

Joint Genome Diagnostic Labs from Nijmegen and Maastricht, Radboudumc and MUMC+
Classification: Uncertain significance. Review status: no assertion criteria provided. Collection method: clinical testing. Allele origin: germline. Affected: yes. Study: VKGL Data-share Consensus. Not counted in ClinVar's aggregate classification.

Literature cited by the submitters: PubMed 21186264 (cited by 3 submitters); PubMed 23041008 (cited by 3 submitters); PubMed 23663589 (cited by Labcorp Genetics (formerly Invitae), Labcorp); PubMed 23670307 (cited by Labcorp Genetics (formerly Invitae), Labcorp and Athena Diagnostics); PubMed 25891276 (cited by 3 submitters); PubMed 22742934 (cited by Athena Diagnostics); PubMed 23606453 (cited by Athena Diagnostics); PubMed 26838040 (cited by Athena Diagnostics); PubMed 28888072 (cited by Athena Diagnostics); PubMed 25046369 (cited by Athena Diagnostics); PubMed 30919934 (cited by Athena Diagnostics).